The following is an entry in ClinVar:

ClinVar aggregate classification (germline): Uncertain significance (1 of 4 stars; one submission).

Conditions:
Orthostatic hypotension 1 (ORTHYP1). Also called: Orthostatic hypotension 1, due to DBH deficiency; Dopamine beta-hydroxylase deficiency; NORADRENALINE DEFICIENCY; NOREPINEPHRINE DEFICIENCY. Identifiers: Orphanet 230, MedGen C4746777, MONDO:0009123, OMIM 223360.

Submission:

Labcorp Genetics (formerly Invitae), Labcorp
Classification: Uncertain significance for Orthostatic hypotension 1. Last evaluated: 2022-03-08. Review status: criteria provided, single submitter. Criteria: Invitae Variant Classification Sherloc (09022015). Collection method: clinical testing. Allele origin: germline.
Comment: In summary, the available evidence is currently insufficient to determine the role of this variant in disease. Therefore, it has been classified as a Variant of Uncertain Significance. Algorithms developed to predict the effect of sequence changes on RNA splicing suggest that this variant may disrupt the consensus splice site. This variant has not been reported in the literature in individuals affected with DBH-related conditions. This variant is not present in population databases (gnomAD no frequency). This sequence change falls in intron 3 of the DBH gene. It does not directly change the encoded amino acid sequence of the DBH protein.

NM_000787.4(DBH):c.745-14_745-13del

Gene: DBH (dopamine beta-hydroxylase; plus strand). Cytogenetic location: 9q34.2.
Variant type: Deletion.
Coding change: c.745-14_745-13del on transcript NM_000787.4 (MANE Select); 14 bases into the intron before coding-DNA position 745 through 13 bases into the intron before coding-DNA position 745, 2 bases deleted (CT; older notation c.745-14_745-13delCT).
Molecular consequence: intron variant.
Genome position (GRCh38, 1-based): chr9:133,643,399-133,643,400, CT deleted. VCF-style (leftmost placement, unchanged base first): chr9-133643398-GCT-G. GRCh37 (hg19) VCF-style: chr9-136508520-GCT-G.
Identifiers: ClinVar variation 2101693 (VCV002101693.4), dbSNP rs2538342687, ClinGen allele CA2580079988.